The following is an entry in ClinVar:

NM_153485.3(NUP155):c.1569A>G (p.Leu523=)

Gene: NUP155 (nucleoporin 155; minus strand). Cytogenetic location: 5p13.2.
Variant type: single nucleotide variant.
Coding change: c.1569A>G on transcript NM_153485.3 (MANE Select); coding-DNA position 1569, A replaced by G.
Protein change: p.Leu523=; no amino-acid change (leucine 523 retained).
Molecular consequence: synonymous variant.
Genome position (GRCh38, 1-based): chr5:37,331,745, T>C on the plus strand (A>G on the coding strand, the complement: NUP155 is on the minus strand). VCF-style: chr5-37331745-T-C. GRCh37 (hg19) VCF-style: chr5-37331847-T-C.
Other names: c.1569A>G, p.Leu523= (NM_001278312.2); c.1392A>G, p.Leu464= (NM_004298.4).
Identifiers: ClinVar variation 3035447 (VCV003035447.3), dbSNP rs145964174, ClinGen allele CA3239981.
Genomic context (GRCh38, chr5:37,331,745, plus strand): 5'-CTGATGTAATTTAAAGAATCTTTCAATCTCTTCTCCATCTCCTCCCACATTACTCACAAG[T>C]AGATGCCTCAGTTGATCTACAGGTCTAAGTTTATGAAACATAAGGCTCCCCTAAGAAATT-3'
Protein context (NP_705618.1, residues 513-533): KLRPVDQLRH[Leu523=]LVSNVGGDGE

ClinVar aggregate classification (germline): Likely benign. Review status: criteria provided, single submitter (1 of 4 stars). 2 submissions from 2 submitters: Likely benign (1). 1 of the submissions does not count toward it. Last evaluated 2024-10-07.

Conditions:
NUP155-related disorder. Also called: NUP155-related condition.

Allele frequency attached by ClinVar (database versions not stated): gnomAD exomes 0.00015; 1000 Genomes Project 30x 0.00016; 1000 Genomes Project 0.00020; ExAC 0.00021; gnomAD 0.00054; TOPMed 0.00060; ESP Exome Variant Server 0.00069.

Submissions (2):

Blueprint Genetics
Classification: Likely benign. Last evaluated: 2024-10-07. Review status: criteria provided, single submitter. Criteria: ACMG Guidelines, 2015. Collection method: clinical testing. Allele origin: germline.

PreventionGenetics, part of Exact Sciences
Classification: Likely benign for NUP155-related condition. Last evaluated: 2019-08-09. Review status: no assertion criteria provided. Collection method: clinical testing. Allele origin: germline. Not counted in ClinVar's aggregate classification.
Comment: This variant is classified as likely benign based on ACMG/AMP sequence variant interpretation guidelines (Richards et al. 2015 PMID: 25741868, with internal and published modifications).